The following is an entry in ClinVar:

ClinVar aggregate classification (germline): Benign/Likely benign. Review status: criteria provided, multiple submitters, no conflicts (2 of 4 stars). 5 submissions from 5 submitters: Benign (1); Likely benign (4). Last evaluated 2026-05-21.

Conditions:
Hereditary cancer-predisposing syndrome. Also called: Neoplastic Syndromes, Hereditary; Hereditary Cancer Syndrome; Hereditary neoplastic syndrome; Tumor predisposition. Identifiers: Orphanet 140162, MedGen C0027672, MeSH D009386, MONDO:0015356.
Cardiovascular phenotype. Identifiers: MedGen CN230736.
Neurofibromatosis, type 1 (NF1). Also called: Neurofibromatosis, type I; NEUROFIBROMATOSIS, TYPE I, SOMATIC; Peripheral type neurofibromatosis; VON RECKLINGHAUSEN DISEASE. Identifiers: Orphanet 636, MedGen C0027831, MONDO:0018975, OMIM 162200. Disease mechanism: loss of function.

Allele frequency attached by ClinVar (database versions not stated): ExAC 0.00002; gnomAD exomes 0.00001 and below 0.00001; TOPMed below 0.00001; gnomAD 0.00001.
gnomAD v4.1: 6 of 1,613,772 alleles (0.00037%); highest among the groups gnomAD compares: Admixed American, 0.0033%; no homozygotes.

Submissions (5):

Myriad Genetics, Inc.
Classification: Benign for Neurofibromatosis, type 1. Last evaluated: 2026-05-21. Review status: criteria provided, single submitter. Criteria: Myriad Autosomal Dominant, Autosomal Recessive and X-Linked Classification Criteria (2023). Collection method: clinical testing. Allele origin: unknown.
Comment: This variant is considered benign. This variant is a silent/synonymous amino acid change and it is not expected to impact splicing.

Labcorp Genetics (formerly Invitae), Labcorp
Classification: Likely benign for Neurofibromatosis, type 1. Last evaluated: 2025-08-30. Review status: criteria provided, single submitter. Criteria: Invitae Variant Classification Sherloc (09022015). Collection method: clinical testing. Allele origin: germline.

Genome-Nilou Lab
Classification: Likely benign for Neurofibromatosis, type 1. Last evaluated: 2022-03-15. Review status: criteria provided, single submitter. Criteria: ACMG Guidelines, 2015. Collection method: clinical testing. Allele origin: germline. Affected: no.

Sema4
Classification: Likely benign for Hereditary cancer-predisposing syndrome. Last evaluated: 2021-12-17. Review status: criteria provided, single submitter. Criteria: Sema4 Curation Guidelines. Collection method: curation. Allele origin: germline.

Ambry Genetics
Classification: Likely benign for Cardiovascular phenotype; Hereditary cancer-predisposing syndrome. Last evaluated: 2016-09-22. Review status: criteria provided, single submitter. Criteria: Ambry Variant Classification Scheme 2023. Collection method: clinical testing. Allele origin: germline.

NM_001042492.3(NF1):c.6192T>C (p.Ser2064=)

Gene: NF1 (neurofibromin 1; plus strand). Cytogenetic location: 17q11.2.
Variant type: single nucleotide variant.
Coding change: c.6192T>C on transcript NM_001042492.3 (MANE Select); coding-DNA position 6192, T replaced by C.
Protein change: p.Ser2064=; no amino-acid change (serine 2064 retained).
Molecular consequence: synonymous variant.
Genome position (GRCh38, 1-based): chr17:31,336,679, T>C. VCF-style: chr17-31336679-T-C. GRCh37 (hg19) VCF-style: chr17-29663697-T-C.
Other names: c.6129T>C, p.Ser2043= (NM_000267.4).
Identifiers: ClinVar variation 527618 (VCV000527618.16), dbSNP rs765094377, ClinGen allele CA8487327.
Genomic context (GRCh38, chr17:31,336,679, plus strand): 5'-TCCTGCTTCTTTACAGGTTATTGGAAGGATGTGCAAAATAATTGACAAGACATGCTTATC[T>C]CCAACTCCTACTTTAGAACAACATCTTATGTGGGATGATATTGCTATTTTAGCACGCTAC-3'
Protein context (NP_001035957.1, residues 2054-2074): MCKIIDKTCL[Ser2064=]PTPTLEQHLM